The following is an entry in ClinVar:

NM_198334.3(GANAB):c.1179C>G (p.Ser393=)

Gene: GANAB (glucosidase II alpha subunit; minus strand). Cytogenetic location: 11q12.3.
Variant type: single nucleotide variant.
Coding change: c.1179C>G on transcript NM_198334.3 (MANE Select); coding-DNA position 1179, C replaced by G.
Protein change: p.Ser393=; no amino-acid change (serine 393 retained).
Molecular consequence: synonymous variant.
Genome position (GRCh38, 1-based): chr11:62,630,808, G>C on the plus strand (C>G on the coding strand, the complement: GANAB is on the minus strand). VCF-style: chr11-62630808-G-C. GRCh37 (hg19) VCF-style: chr11-62398280-G-C.
Other names: c.903C>G, p.Ser301= (NM_001278192.2); c.837C>G, p.Ser279= (NM_001278193.2); c.888C>G, p.Ser296= (NM_001278194.2, NM_001329222.2, NM_001329223.2); c.456C>G, p.Ser152= (NM_001329224.2, NM_001329225.2); c.1245C>G, p.Ser415= (NM_198335.4).
Identifiers: ClinVar variation 2789765 (VCV002789765.3), dbSNP rs2496337623, ClinGen allele CA475130561.
Genomic context (GRCh38, chr11:62,630,808, plus strand): 5'-ATCCACTTCCAGCACATCAGCCTCGTCCCGGTAGTTCCAACGGCTCTGGTGGTAGCCGAG[G>C]GAGAAGAGTGGGGGCAACGCCTGGGTTCCTGCAGGTTCATGAGGGATGGGGGTCACAACG-3'
Protein context (NP_938148.1, residues 383-403): TGTQALPPLF[Ser393=]LGYHQSRWNY

ClinVar aggregate classification (germline): Uncertain significance (1 of 4 stars; one submission).

gnomAD v4.1: 7 of 1,613,960 alleles (0.00043%); highest among the groups gnomAD compares: Non-Finnish European, 0.00025%; no homozygotes.

Submission:

Labcorp Genetics (formerly Invitae), Labcorp
Classification: Uncertain significance. Last evaluated: 2023-08-30. Review status: criteria provided, single submitter. Criteria: Invitae Variant Classification Sherloc (09022015). Collection method: clinical testing. Allele origin: germline.
Comment: In summary, the available evidence is currently insufficient to determine the role of this variant in disease. Therefore, it has been classified as a Variant of Uncertain Significance. Algorithms developed to predict the effect of sequence changes on RNA splicing suggest that this variant may disrupt the consensus splice site. This variant has not been reported in the literature in individuals affected with GANAB-related conditions. This variant is not present in population databases (gnomAD no frequency). This sequence change affects codon 415 of the GANAB mRNA. It is a 'silent' change, meaning that it does not change the encoded amino acid sequence of the GANAB protein.